The following is an entry in ClinVar:

NM_138425.4(C12orf57):c.11C>G (p.Ala4Gly)

Gene: C12orf57 (chromosome 12 open reading frame 57; plus strand). Cytogenetic location: 12p13.31.
Variant type: single nucleotide variant.
Coding change: c.11C>G on transcript NM_138425.4 (MANE Select); coding-DNA position 11, C replaced by G.
Protein change: p.Ala4Gly; replaces alanine 4 with glycine.
Molecular consequence: missense variant. On other transcripts: 5 prime UTR variant (1), non-coding transcript variant (1), intron variant (1).
Genome position (GRCh38, 1-based): chr12:6,944,132, C>G. VCF-style: chr12-6944132-C-G. GRCh37 (hg19) VCF-style: chr12-7053295-C-G.
Other names: c.11C>G, p.Ala4Gly (NM_001301834.1, NM_001301837.2); c.-191C>G (NM_001301838.2); c.14-344C>G (NM_001301836.2); short protein forms A4G.
Identifiers: ClinVar variation 1034698 (VCV001034698.8), dbSNP rs1194384402, ClinGen allele CA383744120.

ClinVar aggregate classification (germline): Uncertain significance (1 of 4 stars; one submission).

Conditions:
Temtamy syndrome (TEMTYS). Also called: MENTAL RETARDATION WITH OR WITHOUT CRANIOFACIAL DYSMORPHISM, OCULAR COLOBOMA, OR ABNORMAL CORPUS CALLOSUM. Identifiers: Orphanet 1777, MedGen C1857512, MONDO:0009033, OMIM 218340.

Submission:

Labcorp Genetics (formerly Invitae), Labcorp
Classification: Uncertain significance for Temtamy syndrome. Last evaluated: 2020-09-20. Review status: criteria provided, single submitter. Criteria: Invitae Variant Classification Sherloc (09022015). Collection method: clinical testing. Allele origin: germline.
Comment: In summary, the available evidence is currently insufficient to determine the role of this variant in disease. Therefore, it has been classified as a Variant of Uncertain Significance. Algorithms developed to predict the effect of missense changes on protein structure and function output the following: SIFT: "Tolerated"; PolyPhen-2: "Benign"; Align-GVGD: "Class C0". The glycine amino acid residue is found in multiple mammalian species, suggesting that this missense change does not adversely affect protein function. These predictions have not been confirmed by published functional studies and their clinical significance is uncertain. This variant has not been reported in the literature in individuals with C12orf57-related conditions. This variant is not present in population databases (ExAC no frequency). This sequence change replaces alanine with glycine at codon 4 of the C12orf57 protein (p.Ala4Gly). The alanine residue is highly conserved and there is a small physicochemical difference between alanine and glycine.